The following is an entry in ClinVar:

ClinVar aggregate classification (germline): Uncertain significance (1 of 4 stars; one submission).

gnomAD v4.1: 1 of 1,613,964 alleles (0.000062%); highest among the groups gnomAD compares: Non-Finnish European, 0.000085%; no homozygotes.

Submission:

Labcorp Genetics (formerly Invitae), Labcorp
Classification: Uncertain significance. Last evaluated: 2025-03-30. Review status: criteria provided, single submitter. Criteria: Invitae Variant Classification Sherloc (09022015). Collection method: clinical testing. Allele origin: germline.
Comment: This sequence change replaces valine, which is neutral and non-polar, with isoleucine, which is neutral and non-polar, at codon 844 of the SETD5 protein (p.Val844Ile). The frequency data for this variant in the population databases is considered unreliable, as metrics indicate poor data quality at this position in the gnomAD database. This variant has not been reported in the literature in individuals affected with SETD5-related conditions. Invitae Evidence Modeling of protein sequence and biophysical properties (such as structural, functional, and spatial information, amino acid conservation, physicochemical variation, residue mobility, and thermodynamic stability) indicates that this missense variant is not expected to disrupt SETD5 protein function with a negative predictive value of 80%. In summary, the available evidence is currently insufficient to determine the role of this variant in disease. Therefore, it has been classified as a Variant of Uncertain Significance.

NM_001080517.3(SETD5):c.2530G>A (p.Val844Ile)

Gene: SETD5 (SET domain containing 5; plus strand). Cytogenetic location: 3p25.3.
Variant type: single nucleotide variant.
Coding change: c.2530G>A on transcript NM_001080517.3 (MANE Select); coding-DNA position 2530, G replaced by A.
Protein change: p.Val844Ile; replaces valine 844 with isoleucine.
Molecular consequence: missense variant.
Genome position (GRCh38, 1-based): chr3:9,464,478, G>A. VCF-style: chr3-9464478-G-A. GRCh37 (hg19) VCF-style: chr3-9506162-G-A.
Other names: c.2236G>A, p.Val746Ile (NM_001292043.2, NM_001349451.2); c.2626G>A, p.Val876Ile (NM_001437633.1); c.2587G>A, p.Val863Ile (NM_001437635.1); c.2530G>A, p.Val844Ile (NM_001437643.1); c.2569G>A, p.Val857Ile (NM_001437701.1); short protein forms V844I, V746I, V863I, V857I, V876I.
Identifiers: ClinVar variation 4778603 (VCV004778603.1).